The following is an entry in ClinVar:

ClinVar aggregate classification (germline): Uncertain significance (1 of 4 stars; one submission).

Conditions:
Immunodeficiency 39 (IMD39). Identifiers: Orphanet 574918, MedGen C4225358, MONDO:0014597, OMIM 616345.

Allele frequency attached by ClinVar (database versions not stated): gnomAD 0.00001 and 0.00002; gnomAD exomes 0.00001; TOPMed 0.00002.

Submission:

Labcorp Genetics (formerly Invitae), Labcorp
Classification: Uncertain significance for Immunodeficiency 39. Last evaluated: 2021-04-02. Review status: criteria provided, single submitter. Criteria: Invitae Variant Classification Sherloc (09022015). Collection method: clinical testing. Allele origin: germline.
Comment: In summary, the available evidence is currently insufficient to determine the role of this variant in disease. Therefore, it has been classified as a Variant of Uncertain Significance. Algorithms developed to predict the effect of sequence changes on RNA splicing suggest that this variant may disrupt the consensus splice site, but this prediction has not been confirmed by published transcriptional studies. This variant has not been reported in the literature in individuals with IRF7-related conditions. This variant is not present in population databases (ExAC no frequency). This sequence change affects codon 74 of the IRF7 mRNA. It is a 'silent' change, meaning that it does not change the encoded amino acid sequence of the IRF7 protein.

NM_001572.5(IRF7):c.183G>A (p.Lys61=)

Gene: IRF7 (interferon regulatory factor 7; minus strand). Cytogenetic location: 11p15.5.
Variant type: single nucleotide variant.
Coding change: c.183G>A on transcript NM_001572.5 (MANE Select); coding-DNA position 183, G replaced by A.
Protein change: p.Lys61=; no amino-acid change (lysine 61 retained).
Molecular consequence: synonymous variant.
Genome position (GRCh38, 1-based): chr11:615,097, C>T on the plus strand (G>A on the coding strand, the complement: IRF7 is on the minus strand). VCF-style: chr11-615097-C-T. GRCh37 (hg19) VCF-style: chr11-615097-C-T.
Other names: c.183G>A, p.Lys61= (NM_004029.4); c.222G>A, p.Lys74= (NM_004031.4).
Identifiers: ClinVar variation 1437852 (VCV001437852.8), dbSNP rs755627776, ClinGen allele CA216913441.